The following is an entry in ClinVar:

NM_153676.4(USH1C):c.760-116G>A

Gene: USH1C (USH1 protein network component harmonin; minus strand). Cytogenetic location: 11p15.1.
Variant type: single nucleotide variant.
Coding change: c.760-116G>A on transcript NM_153676.4 (MANE Select); 116 bases into the intron before coding-DNA position 760, G replaced by A.
Molecular consequence: intron variant.
Genome position (GRCh38, 1-based): chr11:17,523,594, C>T on the plus strand (G>A on the coding strand, the complement: USH1C is on the minus strand). VCF-style: chr11-17523594-C-T. GRCh37 (hg19) VCF-style: chr11-17545141-C-T.
Other names: c.760-116G>A (NM_001297764.2, NM_005709.4).
Identifiers: ClinVar variation 678911 (VCV000678911.2), dbSNP rs41282938, ClinGen allele CA218459077.

ClinVar aggregate classification (germline): Benign. Review status: criteria provided, multiple submitters, no conflicts (2 of 4 stars). 2 submissions from 2 submitters: Benign (2). Last evaluated 2018-06-14.

Allele frequency attached by ClinVar (database versions not stated): gnomAD exomes 0.04765; 1000 Genomes Project 0.07967; 1000 Genomes Project 30x 0.08026; gnomAD 0.08320 and 0.08700; TOPMed 0.09282.

Submissions (2):

GeneDx
Classification: Benign. Last evaluated: 2018-06-14. Review status: criteria provided, single submitter. Criteria: GeneDx Variant Classification (06012015). Collection method: clinical testing. Allele origin: germline. Affected: yes.
Comment: This variant is considered likely benign or benign based on one or more of the following criteria: it is a conservative change, it occurs at a poorly conserved position in the protein, it is predicted to be benign by multiple in silico algorithms, and/or has population frequency not consistent with disease.

Breakthrough Genomics
Classification: Benign. Review status: criteria provided, single submitter. Criteria: ACMG Guidelines, 2015. Collection method: not provided. Allele origin: germline. Inheritance: Autosomal recessive inheritance. Affected: yes.